The following is an entry in ClinVar:

NM_000815.5(GABRD):c.64A>G (p.Thr22Ala)

Gene: GABRD (gamma-aminobutyric acid type A receptor subunit delta; plus strand). Cytogenetic location: 1p36.33.
Variant type: single nucleotide variant.
Coding change: c.64A>G on transcript NM_000815.5 (MANE Select); coding-DNA position 64, A replaced by G.
Protein change: p.Thr22Ala; replaces threonine 22 with alanine.
Molecular consequence: missense variant.
Genome position (GRCh38, 1-based): chr1:2,019,487, A>G. VCF-style: chr1-2019487-A-G. GRCh37 (hg19) VCF-style: chr1-1950926-A-G.
Other names: short protein forms T22A.
Identifiers: ClinVar variation 2852890 (VCV002852890.3), dbSNP rs2525610596, ClinGen allele CA337953894.

ClinVar aggregate classification (germline): Uncertain significance (1 of 4 stars; one submission).

Conditions:
Idiopathic generalized epilepsy. Also called: Generalised epilepsy; EIG. Identifiers: MedGen C0270850, MONDO:0005579, OMIM 600669.

Submission:

Labcorp Genetics (formerly Invitae), Labcorp
Classification: Uncertain significance for Idiopathic generalized epilepsy. Last evaluated: 2023-06-22. Review status: criteria provided, single submitter. Criteria: Invitae Variant Classification Sherloc (09022015). Collection method: clinical testing. Allele origin: germline.
Comment: This sequence change replaces threonine, which is neutral and polar, with alanine, which is neutral and non-polar, at codon 22 of the GABRD protein (p.Thr22Ala). The frequency data for this variant in the population databases is considered unreliable, as metrics indicate insufficient coverage at this position in the gnomAD database. This variant has not been reported in the literature in individuals affected with GABRD-related conditions. Algorithms developed to predict the effect of missense changes on protein structure and function output the following: SIFT: "Not Available"; PolyPhen-2: "Benign"; Align-GVGD: "Not Available". The alanine amino acid residue is found in multiple mammalian species, which suggests that this missense change does not adversely affect protein function. In summary, the available evidence is currently insufficient to determine the role of this variant in disease. Therefore, it has been classified as a Variant of Uncertain Significance.